The following is an entry in ClinVar:

NM_017654.4(SAMD9):c.292G>A (p.Asp98Asn)

Gene: SAMD9 (sterile alpha motif domain containing 9; minus strand). Cytogenetic location: 7q21.2.
Variant type: single nucleotide variant.
Coding change: c.292G>A on transcript NM_017654.4 (MANE Select); coding-DNA position 292, G replaced by A.
Protein change: p.Asp98Asn; replaces aspartic acid 98 with asparagine.
Molecular consequence: missense variant.
Genome position (GRCh38, 1-based): chr7:93,105,806, C>T on the plus strand (G>A on the coding strand, the complement: SAMD9 is on the minus strand). VCF-style: chr7-93105806-C-T. GRCh37 (hg19) VCF-style: chr7-92735119-C-T.
Other names: c.292G>A, p.Asp98Asn (NM_001193307.2); short protein forms D98N.
Identifiers: ClinVar variation 4863862 (VCV004863862.1).
Genomic context (GRCh38, chr7:93,105,806, plus strand): 5'-CTTTACCCTTTTGTTTTTGCTTTGAAGTTTCTCTACGTTCCTTTTGAGACACAGTTTGGT[C>T]TTTAGGAGCATTTTTACTGGGCTTTCCCATCTTAGATGTCTGAATCGAATCTTCAATGGC-3'
Protein context (NP_060124.2, residues 88-108): MGKPSKNAPK[Asp98Asn]QTVSQKERRE

ClinVar aggregate classification (germline): Uncertain significance (1 of 4 stars; one submission).

Conditions:
Inborn genetic diseases. Identifiers: MedGen C0950123, MeSH D030342.

Submission:

Ambry Genetics
Classification: Uncertain significance for Inborn genetic diseases. Last evaluated: 2026-05-17. Review status: criteria provided, single submitter. Criteria: Ambry Variant Classification Scheme 2023. Collection method: clinical testing. Allele origin: germline.
Comment: The p.D98N variant (also known as c.292G>A), located in coding exon 1 of the SAMD9 gene, results from a G to A substitution at nucleotide position 292. The aspartic acid at codon 98 is replaced by asparagine, an amino acid with highly similar properties. This amino acid position is conserved. In addition, this alteration is predicted to be tolerated by in silico analysis. Based on the available evidence, the clinical significance of this variant remains unclear.